The following is an entry in ClinVar:

ClinVar aggregate classification (germline): Uncertain significance (1 of 4 stars; one submission).

Submission:

CeGaT Center for Human Genetics Tuebingen
Classification: Uncertain significance. Last evaluated: 2024-09-01. Review status: criteria provided, single submitter. Criteria: CeGaT Center For Human Genetics Tuebingen Variant Classification Criteria Version 2. Collection method: clinical testing. Allele origin: germline. Affected: yes. Observed: 1 variant allele.
Comment: TSPOAP1: PM2

NM_004758.4(TSPOAP1):c.4166C>G (p.Ala1389Gly)

Gene: TSPOAP1 (TSPO associated protein 1; minus strand). Cytogenetic location: 17q22.
Variant type: single nucleotide variant.
Coding change: c.4166C>G on transcript NM_004758.4 (MANE Select); coding-DNA position 4166, C replaced by G.
Protein change: p.Ala1389Gly; replaces alanine 1389 with glycine.
Molecular consequence: missense variant.
Genome position (GRCh38, 1-based): chr17:58,309,106, G>C on the plus strand (C>G on the coding strand, the complement: TSPOAP1 is on the minus strand). VCF-style: chr17-58309106-G-C. GRCh37 (hg19) VCF-style: chr17-56386467-G-C.
Other names: c.4166C>G, p.Ala1389Gly (NM_001261835.2); c.3986C>G, p.Ala1329Gly (NM_024418.3); short protein forms A1329G, A1389G.
Identifiers: ClinVar variation 3389669 (VCV003389669.14).